The following is an entry in ClinVar:

NM_000171.3(GLRA1):c.[1259G>A];[839G>A]

Variant type: CompoundHeterozygote.
Identifiers: ClinVar variation 424702 (VCV000424702.4).

ClinVar aggregate classification (germline): Pathogenic (0 of 4 stars; one submission).

Conditions:
Hyperekplexia 1 (STHE). Also called: EXAGGERATED STARTLE REACTION; KOK DISEASE; STARTLE DISEASE, FAMILIAL; STIFF-BABY SYNDROME; STIFF-MAN SYNDROME, CONGENITAL; STIFF-PERSON SYNDROME, CONGENITAL. Identifiers: Orphanet 3197, MedGen C4551954, MONDO:0007868, OMIM 149400.

Submission:

GeneReviews
Classification: Pathogenic for Hyperekplexia. Last evaluated: 2012-10-04. Review status: no assertion criteria provided. Collection method: curation. Allele origin: unknown.
ClinVar note: Converted during submission from pathologic to Pathogenic.